The following is an entry in ClinVar:

ClinVar aggregate classification (germline): Uncertain significance (1 of 4 stars; one submission).

Conditions:
Mucopolysaccharidosis type 6 (MPS6). Also called: ARSB DEFICIENCY; ARYLSULFATASE B DEFICIENCY; MPS VI; MPS 6; N-ACETYLGALACTOSAMINE-4-SULFATASE DEFICIENCY; Maroteaux Lamy syndrome. Identifiers: Orphanet 583, MedGen C0026709, MONDO:0009661, OMIM 253200.

Submission:

Labcorp Genetics (formerly Invitae), Labcorp
Classification: Uncertain significance for Mucopolysaccharidosis type 6. Last evaluated: 2022-07-17. Review status: criteria provided, single submitter. Criteria: Invitae Variant Classification Sherloc (09022015). Collection method: clinical testing. Allele origin: germline.
Comment: This variant has not been reported in the literature in individuals affected with ARSB-related conditions. Advanced modeling of protein sequence and biophysical properties (such as structural, functional, and spatial information, amino acid conservation, physicochemical variation, residue mobility, and thermodynamic stability) performed at Invitae indicates that this missense variant is expected to disrupt ARSB protein function. In summary, the available evidence is currently insufficient to determine the role of this variant in disease. Therefore, it has been classified as a Variant of Uncertain Significance. This variant is not present in population databases (gnomAD no frequency). This sequence change replaces phenylalanine, which is neutral and non-polar, with leucine, which is neutral and non-polar, at codon 297 of the ARSB protein (p.Phe297Leu).

NM_000046.5(ARSB):c.891T>G (p.Phe297Leu)

Gene: ARSB (arylsulfatase B; minus strand). Cytogenetic location: 5q14.1.
Variant type: single nucleotide variant.
Coding change: c.891T>G on transcript NM_000046.5 (MANE Select); coding-DNA position 891, T replaced by G.
Protein change: p.Phe297Leu; replaces phenylalanine 297 with leucine.
Molecular consequence: missense variant.
Genome position (GRCh38, 1-based): chr5:78,955,302, A>C on the plus strand (T>G on the coding strand, the complement: ARSB is on the minus strand). VCF-style: chr5-78955302-A-C. GRCh37 (hg19) VCF-style: chr5-78251125-A-C.
Other names: c.891T>G, p.Phe297Leu (NM_198709.3); short protein forms F297L.
Identifiers: ClinVar variation 1717335 (VCV001717335.6), dbSNP rs2479693250, ClinGen allele CA360191900.